The following is an entry in ClinVar:

ClinVar aggregate classification (germline): Uncertain significance (1 of 4 stars; one submission).

Conditions:
PKHD1L1-related disorder. Also called: PKHD1L1-related condition.

gnomAD v4.1: 86 of 1,613,298 alleles (0.0053%); highest among the groups gnomAD compares: Non-Finnish European, 0.0061%; no homozygotes.

Submission:

PreventionGenetics, part of Exact Sciences
Classification: Uncertain significance for PKHD1L1-related condition. Last evaluated: 2025-10-07. Review status: criteria provided, single submitter. Criteria: ACMG Guidelines, 2015. Collection method: clinical testing. Allele origin: germline.
Comment: The PKHD1L1 c.4444G>A variant is predicted to result in the amino acid substitution p.Gly1482Arg. To our knowledge, this variant has not been reported in the literature. This variant is reported in 0.0033% of alleles in individuals of South Asian descent in gnomAD. At this time, the clinical significance of this variant is uncertain due to the absence of conclusive functional and genetic evidence.

NM_177531.6(PKHD1L1):c.4444G>A (p.Gly1482Arg)

Gene: PKHD1L1 (PKHD1 like 1; plus strand). Cytogenetic location: 8q23.1.
Variant type: single nucleotide variant.
Coding change: c.4444G>A on transcript NM_177531.6 (MANE Select); coding-DNA position 4444, G replaced by A.
Protein change: p.Gly1482Arg; replaces glycine 1482 with arginine.
Molecular consequence: missense variant.
Genome position (GRCh38, 1-based): chr8:109,442,996, G>A. VCF-style: chr8-109442996-G-A. GRCh37 (hg19) VCF-style: chr8-110455225-G-A.
Other names: short protein forms G1482R.
Identifiers: ClinVar variation 4989624 (VCV004989624.1).